The following is an entry in ClinVar:

NM_207037.2(TCF12):c.784C>T (p.Gln262Ter)

Gene: TCF12 (transcription factor 12; plus strand). Cytogenetic location: 15q21.3.
Variant type: single nucleotide variant.
Coding change: c.784C>T on transcript NM_207037.2 (MANE Select); coding-DNA position 784, C replaced by T.
Protein change: p.Gln262Ter; replaces glutamine 262 with a stop codon.
Molecular consequence: nonsense. On other transcripts: intron variant (1).
Genome position (GRCh38, 1-based): chr15:57,232,389, C>T. VCF-style: chr15-57232389-C-T. GRCh37 (hg19) VCF-style: chr15-57524587-C-T.
Other names: c.274C>T, p.Gln92Ter (NM_001306219.3, NM_207040.2); c.784C>T, p.Gln262Ter (NM_001322151.2, NM_001322152.2, NM_001322157.3 and 7 more transcripts); c.127C>T, p.Gln43Ter (NM_001322154.2); c.610C>T, p.Gln204Ter (NM_001322156.2, NM_001322158.2); c.820C>T, p.Gln274Ter (NM_001322164.2); c.118-323C>T (NM_001306220.3); short protein forms Q274*, Q43*, Q92*, Q262*, Q204*.
Identifiers: ClinVar variation 2692470 (VCV002692470.2), dbSNP rs2551443653, ClinGen allele CA392592334.

ClinVar aggregate classification (germline): Pathogenic/Likely pathogenic. Review status: criteria provided, multiple submitters, no conflicts (2 of 4 stars). 2 submissions from 2 submitters: Pathogenic (1); Likely pathogenic (1). Last evaluated 2024-08-20.

Conditions:
TCF12-related craniosynostosis. Also called: Craniosynostosis 3. Identifiers: Orphanet 35098, Orphanet 35099, Orphanet 672979, MedGen C3715051, MONDO:0014128, OMIM 615314.

Submissions (2):

Dasa
Classification: Pathogenic. Last evaluated: 2024-08-20. Review status: criteria provided, single submitter. Criteria: DASA Assertion Criteria. Collection method: clinical testing. Allele origin: germline.
Comment: NM_207037.2(TCF12):c.784C>T (p.Gln262*) introduces a premature termination codon predicted to result in loss of normal protein function. Loss-of-function is an established mechanism of disease for this gene. Based on the available data, this variant is classified as pathogenic.

Greenwood Genetic Center Diagnostic Laboratories, Greenwood Genetic Center
Classification: Likely pathogenic for TCF12-related craniosynostosis. Last evaluated: 2023-11-16. Review status: criteria provided, single submitter. Criteria: ACMG Guidelines, 2015. Collection method: clinical testing. Allele origin: germline. Affected: yes.
Comment: PVS1, PM2